The following is an entry in ClinVar:

ClinVar aggregate classification (germline): Benign/Likely benign. Review status: criteria provided, multiple submitters, no conflicts (2 of 4 stars). 3 submissions from 3 submitters: Benign (1); Likely benign (2). Last evaluated 2024-06-20.

Conditions:
Hereditary cancer-predisposing syndrome. Also called: Tumor predisposition; Neoplastic Syndromes, Hereditary; Hereditary Cancer Syndrome; Hereditary neoplastic syndrome. Identifiers: Orphanet 140162, MedGen C0027672, MeSH D009386, MONDO:0015356.
Ataxia-telangiectasia syndrome (AT). Also called: ATAXIA-TELANGIECTASIA, COMPLEMENTATION GROUP A; ATAXIA-TELANGIECTASIA, FRESNO VARIANT; Ataxia-telangiectasia; Ataxia-telangiectasia, complementation group D; AT, COMPLEMENTATION GROUP C; Ataxia-telangiectasia, complementation group E. Identifiers: Orphanet 100, MedGen C0004135, MONDO:0008840, OMIM 208900.
Familial cancer of breast. Also called: Hereditary breast cancer; BREAST CANCER, FAMILIAL; hereditary breast carcinoma. Identifiers: Orphanet 227535, MedGen C0346153, MONDO:0016419, OMIM 114480. Disease mechanism: loss of function.

Allele frequency attached by ClinVar (database versions not stated): TOPMed below 0.00001.

Submissions (3):

Myriad Genetics, Inc.
Classification: Benign for Familial cancer of breast. Last evaluated: 2024-06-20. Review status: criteria provided, single submitter. Criteria: Myriad Autosomal Dominant, Autosomal Recessive and X-Linked Classification Criteria (2023). Collection method: clinical testing. Allele origin: unknown.
Comment: This variant is considered benign. This variant is a silent/synonymous amino acid change and it is not expected to impact splicing.

Labcorp Genetics (formerly Invitae), Labcorp
Classification: Likely benign for Ataxia-telangiectasia syndrome. Last evaluated: 2024-05-21. Review status: criteria provided, single submitter. Criteria: Invitae Variant Classification Sherloc (09022015). Collection method: clinical testing. Allele origin: germline.

Ambry Genetics
Classification: Likely benign for Hereditary cancer-predisposing syndrome. Last evaluated: 2018-05-23. Review status: criteria provided, single submitter. Criteria: Ambry Variant Classification Scheme 2023. Collection method: clinical testing. Allele origin: germline.

NM_000051.4(ATM):c.8478T>C (p.Asn2826=)

Genes: C11orf65 (chromosome 11 open reading frame 65; minus strand), ATM (ATM serine/threonine kinase; plus strand). Cytogenetic location: 11q22.3.
Variant type: single nucleotide variant.
Coding change: c.8478T>C on transcript NM_000051.4 (MANE Select); coding-DNA position 8478, T replaced by C.
Protein change: p.Asn2826=; no amino-acid change (asparagine 2826 retained).
Molecular consequence: synonymous variant. On other transcripts: intron variant (2).
Genome position (GRCh38, 1-based): chr11:108,345,802, T>C. VCF-style: chr11-108345802-T-C. GRCh37 (hg19) VCF-style: chr11-108216529-T-C.
Other names: c.8478T>C, p.Asn2826= (NM_001351834.2); c.641-36731A>G (NM_001330368.2); c.695-10510A>G (NM_001351110.2).
Identifiers: ClinVar variation 822483 (VCV000822483.51), dbSNP rs1315026465, ClinGen allele CA476673083.